The following is an entry in ClinVar:

ClinVar aggregate classification (germline): Likely benign. Review status: criteria provided, multiple submitters, no conflicts (2 of 4 stars). 2 submissions from 2 submitters: Likely benign (2). Last evaluated 2024-10-23.

Allele frequency attached by ClinVar (database versions not stated): gnomAD exomes below 0.00001.
gnomAD v4.1: 2 of 1,582,438 alleles (0.00013%); highest among the groups gnomAD compares: Non-Finnish European, 0.00017%; no homozygotes.

Submissions (2):

Labcorp Genetics (formerly Invitae), Labcorp
Classification: Likely benign. Last evaluated: 2024-10-23. Review status: criteria provided, single submitter. Criteria: Invitae Variant Classification Sherloc (09022015). Collection method: clinical testing. Allele origin: germline.

GeneDx
Classification: Likely benign. Last evaluated: 2018-05-07. Review status: criteria provided, single submitter. Criteria: GeneDx Variant Classification (06012015). Collection method: clinical testing. Allele origin: germline. Affected: yes.
Comment: This variant is considered likely benign or benign based on one or more of the following criteria: it is a conservative change, it occurs at a poorly conserved position in the protein, it is predicted to be benign by multiple in silico algorithms, and/or has population frequency not consistent with disease.

NM_017909.4(RMND1):c.690-14T>C

Gene: RMND1 (required for meiotic nuclear division 1 homolog; minus strand). Cytogenetic location: 6q25.1.
Variant type: single nucleotide variant.
Coding change: c.690-14T>C on transcript NM_017909.4 (MANE Select); 14 bases into the intron before coding-DNA position 690, T replaced by C.
Molecular consequence: intron variant.
Genome position (GRCh38, 1-based): chr6:151,430,191, A>G on the plus strand (T>C on the coding strand, the complement: RMND1 is on the minus strand). VCF-style: chr6-151430191-A-G. GRCh37 (hg19) VCF-style: chr6-151751326-A-G.
Other names: c.180-14T>C (NM_001271937.2).
Identifiers: ClinVar variation 682216 (VCV000682216.3), dbSNP rs977894824, ClinGen allele CA150115373.